The following is an entry in ClinVar:

ClinVar aggregate classification (germline): Uncertain significance (1 of 4 stars; one submission).

Submission:

Labcorp Genetics (formerly Invitae), Labcorp
Classification: Uncertain significance. Last evaluated: 2024-11-18. Review status: criteria provided, single submitter. Criteria: Invitae Variant Classification Sherloc (09022015). Collection method: clinical testing. Allele origin: germline.
Comment: This sequence change replaces serine, which is neutral and polar, with phenylalanine, which is neutral and non-polar, at codon 767 of the ASXL1 protein (p.Ser767Phe). This variant is not present in population databases (gnomAD no frequency). This variant has not been reported in the literature in individuals affected with ASXL1-related conditions. An algorithm developed to predict the effect of missense changes on protein structure and function (PolyPhen-2) suggests that this variant is likely to be disruptive. In summary, the available evidence is currently insufficient to determine the role of this variant in disease. Therefore, it has been classified as a Variant of Uncertain Significance.

NM_015338.6(ASXL1):c.2300C>T (p.Ser767Phe)

Gene: ASXL1 (ASXL transcriptional regulator 1; plus strand). Cytogenetic location: 20q11.21.
Variant type: single nucleotide variant.
Coding change: c.2300C>T on transcript NM_015338.6 (MANE Select); coding-DNA position 2300, C replaced by T.
Protein change: p.Ser767Phe; replaces serine 767 with phenylalanine.
Molecular consequence: missense variant.
Genome position (GRCh38, 1-based): chr20:32,435,012, C>T. VCF-style: chr20-32435012-C-T. GRCh37 (hg19) VCF-style: chr20-31022815-C-T.
Other names: c.2117C>T, p.Ser706Phe (NM_001363734.1); short protein forms S706F, S767F.
Identifiers: ClinVar variation 3671387 (VCV003671387.2).